The following is an entry in ClinVar:

ClinVar aggregate classification (germline): Uncertain significance (1 of 4 stars; one submission).

Allele frequency attached by ClinVar (database versions not stated): gnomAD exomes below 0.00001 and 0.00001.
gnomAD v4.1: 1 of 1,614,216 alleles (0.000062%); highest among the groups gnomAD compares: Non-Finnish European, 0.000085%; no homozygotes.

Submission:

Labcorp Genetics (formerly Invitae), Labcorp
Classification: Uncertain significance. Last evaluated: 2022-11-08. Review status: criteria provided, single submitter. Criteria: Invitae Variant Classification Sherloc (09022015). Collection method: clinical testing. Allele origin: germline.
Comment: In summary, the available evidence is currently insufficient to determine the role of this variant in disease. Therefore, it has been classified as a Variant of Uncertain Significance. Advanced modeling of protein sequence and biophysical properties (such as structural, functional, and spatial information, amino acid conservation, physicochemical variation, residue mobility, and thermodynamic stability) performed at Invitae indicates that this missense variant is expected to disrupt C2CD3 protein function. ClinVar contains an entry for this variant (Variation ID: 1488210). This variant has not been reported in the literature in individuals affected with C2CD3-related conditions. This variant is present in population databases (no rsID available, gnomAD 0.002%). This sequence change replaces leucine, which is neutral and non-polar, with proline, which is neutral and non-polar, at codon 29 of the C2CD3 protein (p.Leu29Pro).

NM_001286577.2(C2CD3):c.86T>C (p.Leu29Pro)

Gene: C2CD3 (C2 domain containing 3 centriole elongation regulator; minus strand). Cytogenetic location: 11q13.4.
Variant type: single nucleotide variant.
Coding change: c.86T>C on transcript NM_001286577.2 (MANE Select); coding-DNA position 86, T replaced by C.
Protein change: p.Leu29Pro; replaces leucine 29 with proline.
Molecular consequence: missense variant.
Genome position (GRCh38, 1-based): chr11:74,168,583, A>G on the plus strand (T>C on the coding strand, the complement: C2CD3 is on the minus strand). VCF-style: chr11-74168583-A-G. GRCh37 (hg19) VCF-style: chr11-73879628-A-G.
Other names: c.86T>C, p.Leu29Pro (NM_015531.6); short protein forms L29P.
Identifiers: ClinVar variation 1488210 (VCV001488210.8), dbSNP rs1373866300, ClinGen allele CA381826261.